The following is an entry in ClinVar:

NM_006576.4(AVIL):c.1750G>T (p.Glu584Ter)

Gene: AVIL (advillin; minus strand). Cytogenetic location: 12q14.1.
Variant type: single nucleotide variant.
Coding change: c.1750G>T on transcript NM_006576.4 (MANE Select); coding-DNA position 1750, G replaced by T.
Protein change: p.Glu584Ter; replaces glutamic acid 584 with a stop codon.
Molecular consequence: nonsense.
Genome position (GRCh38, 1-based): chr12:57,803,591, C>A on the plus strand (G>T on the coding strand, the complement: AVIL is on the minus strand). VCF-style: chr12-57803591-C-A. GRCh37 (hg19) VCF-style: chr12-58197374-C-A.
Other names: short protein forms E584*.
Identifiers: ClinVar variation 4850347 (VCV004850347.1).

ClinVar aggregate classification (germline): Likely pathogenic (1 of 4 stars; one submission).

Conditions:
Nephrotic syndrome, type 21. Identifiers: MedGen C5231498, MONDO:0032826, OMIM 618594.

Submission:

First Genomix Gene Laboratory, Genetic Diagnostics Department
Classification: Likely pathogenic for Nephrotic syndrome, type 21. Last evaluated: 2025-09-17. Review status: criteria provided, single submitter. Criteria: ACMG Guidelines, 2015. Collection method: clinical testing. Allele origin: germline. Inheritance: Autosomal recessive inheritance. Affected: no. Observed: 1 variant allele.